The following is an entry in ClinVar:

NM_004006.3(DMD):c.6171del (p.Ser2057fs)

Gene: DMD (dystrophin; minus strand). Cytogenetic location: Xp21.1.
Variant type: Deletion.
Coding change: c.6171del on transcript NM_004006.3 (MANE Select); coding-DNA position 6171, one base deleted (C; older notation c.6171delC).
Protein change: p.Ser2057fs; shifts the reading frame from serine 2057.
Molecular consequence: frameshift variant.
Genome position (GRCh38, 1-based): chrX:32,287,648, G deleted on the plus strand (C on the coding strand, the reverse complement: DMD is on the minus strand). VCF-style (leftmost placement, unchanged base first): chrX-32287647-TG-T. GRCh37 (hg19) VCF-style: chrX-32305764-TG-T.
Other names: c.6147del, p.Ser2049fs (NM_000109.4); c.6159del, p.Ser2053fs (NM_004009.3); c.5802del, p.Ser1934fs (NM_004010.3); c.2148del, p.Ser716fs (NM_004011.4); c.2139del, p.Ser713fs (NM_004012.4); short protein forms S1934fs, S2049fs, S2053fs, S2057fs, S713fs, S716fs.
Identifiers: ClinVar variation 1806423 (VCV001806423.1), dbSNP rs2519921731, ClinGen allele CA2580100631.

ClinVar aggregate classification (germline): Likely pathogenic (1 of 4 stars; one submission).

Conditions:
Duchenne muscular dystrophy (DMD). Also called: MUSCULAR DYSTROPHY, PSEUDOHYPERTROPHIC PROGRESSIVE, DUCHENNE TYPE; Duchenne Muscular Dystrophy (DMD). Identifiers: Orphanet 98896, MedGen C0013264, MONDO:0010679, OMIM 310200.

Submission:

Laboratory of Medical Genetics, National & Kapodistrian University of Athens
Classification: Likely pathogenic for Duchenne muscular dystrophy. Last evaluated: 2022-12-16. Review status: criteria provided, single submitter. Criteria: ACMG Guidelines, 2015. Collection method: clinical testing. Allele origin: germline. Affected: yes.
Comment: PVS1, PM2